The following is an entry in ClinVar:

NM_000080.4(CHRNE):c.1202G>A (p.Arg401Gln)

Genes: CHRNE (cholinergic receptor nicotinic epsilon subunit; minus strand), LOC130060040 (ATAC-STARR-seq lymphoblastoid silent region 8049; plus strand). Cytogenetic location: 17p13.2.
Variant type: single nucleotide variant.
Coding change: c.1202G>A on transcript NM_000080.4 (MANE Select); coding-DNA position 1202, G replaced by A.
Protein change: p.Arg401Gln; replaces arginine 401 with glutamine.
Molecular consequence: missense variant.
Genome position (GRCh38, 1-based): chr17:4,899,215, C>T on the plus strand (G>A on the coding strand, the complement: CHRNE is on the minus strand). VCF-style: chr17-4899215-C-T. GRCh37 (hg19) VCF-style: chr17-4802510-C-T.
Other names: short protein forms R401Q.
Identifiers: ClinVar variation 3709385 (VCV003709385.2).
Genomic context (GRCh38, chr17:4,899,215, plus strand): 5'-AGGCACCCCGCGCGGCCCCCCGGGCCAGGGCCACTGTGCTCACCCGTCCAGGTCCCCTGC[C>T]GGTGCCTCTGCCCCTCAAACACGAGCTCGCTCCGTGGCTTTTTCAGTATCAGCTCCTCCG-3'
Protein context (NP_000071.1, residues 391-411): SELVFEGQRH[Arg401Gln]QGTWTAAFCQ

ClinVar aggregate classification (germline): Uncertain significance (1 of 4 stars; one submission).

Conditions:
Congenital myasthenic syndrome 4A. Also called: CONGENITAL MYASTHENIC SYNDROME TYPE Ia1; Myasthenic syndrome, congenital, 4a, slow-channel; MYASTHENIC SYNDROME, CONGENITAL, 4A, SLOW-CHANNEL, AUTOSOMAL RECESSIVE. Identifiers: Orphanet 590, MedGen C4225413, MONDO:0011600, OMIM 605809.

gnomAD v4.1: 15 of 1,605,898 alleles (0.00093%); highest among the groups gnomAD compares: South Asian, 0.0022%; no homozygotes.

Submission:

Labcorp Genetics (formerly Invitae), Labcorp
Classification: Uncertain significance for Congenital myasthenic syndrome 4A. Last evaluated: 2024-05-31. Review status: criteria provided, single submitter. Criteria: Invitae Variant Classification Sherloc (09022015). Collection method: clinical testing. Allele origin: germline.
Comment: This sequence change replaces arginine, which is basic and polar, with glutamine, which is neutral and polar, at codon 401 of the CHRNE protein (p.Arg401Gln). The frequency data for this variant in the population databases is considered unreliable, as metrics indicate poor data quality at this position in the gnomAD database. This variant has not been reported in the literature in individuals affected with CHRNE-related conditions. Advanced modeling of protein sequence and biophysical properties (such as structural, functional, and spatial information, amino acid conservation, physicochemical variation, residue mobility, and thermodynamic stability) performed at Invitae indicates that this missense variant is not expected to disrupt CHRNE protein function with a negative predictive value of 95%. In summary, the available evidence is currently insufficient to determine the role of this variant in disease. Therefore, it has been classified as a Variant of Uncertain Significance.